The following is an entry in ClinVar:

NM_001272046.2(VWA2):c.1360del (p.Glu454fs)

Genes: VWA2 (von Willebrand factor A domain containing 2; plus strand), AFAP1L2 (actin filament associated protein 1 like 2; minus strand). Cytogenetic location: 10q25.3.
Variant type: Deletion.
Coding change: c.1360del on transcript NM_001272046.2 (MANE Select); coding-DNA position 1360, one base deleted (G; older notation c.1360delG).
Protein change: p.Glu454fs; shifts the reading frame from glutamic acid 454.
Molecular consequence: frameshift variant.
Genome position (GRCh38, 1-based): chr10:114,286,301, G deleted. VCF-style (leftmost placement, unchanged base first): chr10-114286300-TG-T. GRCh37 (hg19) VCF-style: chr10-116046059-TG-T.
Other names: c.1360del, p.Glu454fs (NM_001320804.1); c.1360del (NM_001272046.1); short protein forms E454fs.
Identifiers: ClinVar variation 709107 (VCV000709107.6), dbSNP rs761338850, ClinGen allele CA5700672.

ClinVar aggregate classification (germline): Likely benign. Review status: criteria provided, single submitter (1 of 4 stars). 2 submissions from 2 submitters: Likely benign (1). 1 of the submissions does not count toward it. Last evaluated 2019-12-31.

Conditions:
VWA2-related disorder. Also called: VWA2-related condition.

Allele frequency attached by ClinVar (database versions not stated): TOPMed 0.00022; ExAC 0.00035; gnomAD exomes 0.00043 and 0.00008; gnomAD 0.00006 and 0.00007.

Submissions (2):

Labcorp Genetics (formerly Invitae), Labcorp
Classification: Likely benign. Last evaluated: 2019-12-31. Review status: criteria provided, single submitter. Criteria: Invitae Variant Classification Sherloc (09022015). Collection method: clinical testing. Allele origin: germline.

PreventionGenetics, part of Exact Sciences
Classification: Likely benign for VWA2-related condition. Last evaluated: 2022-05-09. Review status: no assertion criteria provided. Collection method: clinical testing. Allele origin: germline. Not counted in ClinVar's aggregate classification.
Comment: This variant is classified as likely benign based on ACMG/AMP sequence variant interpretation guidelines (Richards et al. 2015 PMID: 25741868, with internal and published modifications).